The following is an entry in ClinVar:

ClinVar aggregate classification (germline): Benign/Likely benign. Review status: criteria provided, multiple submitters, no conflicts (2 of 4 stars). 3 submissions from 3 submitters: Benign (1); Likely benign (2). Last evaluated 2025-08-12.

Conditions:
Renal cell carcinoma. Identifiers: Orphanet 217071, MedGen C0007134, MeSH D002292, MONDO:0005086, HP:0005584.
Hereditary cancer-predisposing syndrome. Also called: Hereditary Cancer Syndrome; Hereditary neoplastic syndrome; Tumor predisposition; Neoplastic Syndromes, Hereditary. Identifiers: Orphanet 140162, MedGen C0027672, MeSH D009386, MONDO:0015356.
Papillary renal cell carcinoma type 1 (RCCP1). Also called: RENAL CELL CARCINOMA, PAPILLARY, 1, SOMATIC; Renal adenocarcinoma; Renal cell carcinoma 1; Renal cell carcinoma, somatic. Identifiers: Orphanet 47044, MedGen C1336839, OMIM 605074, HP:0011797.

Submissions (3):

Labcorp Genetics (formerly Invitae), Labcorp
Classification: Likely benign for Renal cell carcinoma. Last evaluated: 2025-08-12. Review status: criteria provided, single submitter. Criteria: Invitae Variant Classification Sherloc (09022015). Collection method: clinical testing. Allele origin: germline.

Myriad Genetics, Inc.
Classification: Benign for Papillary renal cell carcinoma type 1. Last evaluated: 2024-11-11. Review status: criteria provided, single submitter. Criteria: Myriad Autosomal Dominant, Autosomal Recessive and X-Linked Classification Criteria (2023). Collection method: clinical testing. Allele origin: unknown.
Comment: This variant is considered benign. This variant is a silent/synonymous amino acid change and it is not expected to impact splicing.

Ambry Genetics
Classification: Likely benign for Hereditary cancer-predisposing syndrome. Last evaluated: 2019-08-30. Review status: criteria provided, single submitter. Criteria: Ambry Variant Classification Scheme 2023. Collection method: clinical testing. Allele origin: germline.

NM_000245.4(MET):c.2424G>A (p.Gln808=)

Gene: MET (MET proto-oncogene, receptor tyrosine kinase; plus strand). Cytogenetic location: 7q31.2.
Variant type: single nucleotide variant.
Coding change: c.2424G>A on transcript NM_000245.4 (MANE Select); coding-DNA position 2424, G replaced by A.
Protein change: p.Gln808=; no amino-acid change (glutamine 808 retained).
Molecular consequence: synonymous variant.
Genome position (GRCh38, 1-based): chr7:116,763,109, G>A. VCF-style: chr7-116763109-G-A. GRCh37 (hg19) VCF-style: chr7-116403163-G-A.
Other names: c.2478G>A, p.Gln826= (NM_001127500.3); c.2424G>A, p.Gln808= (NM_001324401.3); c.1134G>A, p.Gln378= (NM_001324402.2).
Identifiers: ClinVar variation 1791865 (VCV001791865.6), dbSNP rs2116954783, ClinGen allele CA457441668.